The following is an entry in ClinVar:

ClinVar aggregate classification (germline): Likely benign. Review status: criteria provided, multiple submitters, no conflicts (2 of 4 stars). 2 submissions from 2 submitters: Likely benign (2). Last evaluated 2018-06-17.

Allele frequency attached by ClinVar (database versions not stated): gnomAD 0.01088; 1000 Genomes Project 0.04633; TOPMed 0.01715; 1000 Genomes Project 30x 0.03560.

Submissions (2):

GeneDx
Classification: Likely benign. Last evaluated: 2018-06-17. Review status: criteria provided, single submitter. Criteria: GeneDx Variant Classification (06012015). Collection method: clinical testing. Allele origin: germline. Affected: yes.
Comment: This variant is considered likely benign or benign based on one or more of the following criteria: it is a conservative change, it occurs at a poorly conserved position in the protein, it is predicted to be benign by multiple in silico algorithms, and/or has population frequency not consistent with disease.

Breakthrough Genomics
Classification: Likely benign. Review status: criteria provided, single submitter. Criteria: ACMG Guidelines, 2015. Collection method: not provided. Allele origin: germline. Inheritance: Autosomal dominant inheritance. Affected: yes.

NM_004360.3(CDH1):c.-197A>C

Gene: CDH1 (cadherin 1; plus strand). Cytogenetic location: 16q22.1.
Variant type: single nucleotide variant.
Coding change: c.-197A>C on transcript NM_004360.3; 197 bases upstream of the start codon, A replaced by C.
Genome position (GRCh38, 1-based): chr16:68,737,219, A>C. VCF-style: chr16-68737219-A-C. GRCh37 (hg19) VCF-style: chr16-68771122-A-C.
Identifiers: ClinVar variation 676637 (VCV000676637.4), dbSNP rs28372783, ClinGen allele CA283273041.